The following is an entry in ClinVar:

NM_002693.3(POLG):c.2923_2924del (p.Gln975fs)

Gene: POLG (DNA polymerase gamma, catalytic subunit; minus strand). Cytogenetic location: 15q26.1.
Variant type: Microsatellite.
Coding change: c.2923_2924del on transcript NM_002693.3 (MANE Select); coding-DNA positions 2923 to 2924, 2 bases deleted (CA; older notation c.2923_2924delCA).
Protein change: p.Gln975fs; shifts the reading frame from glutamine 975.
Molecular consequence: frameshift variant.
Genome position (GRCh38, 1-based): chr15:89,320,823-89,320,824, TG deleted on the plus strand (CA on the coding strand, the reverse complement: POLG is on the minus strand); deleting any 2 consecutive bases within chr15:89,320,823-89,320,828 gives the same sequence; the c. name uses the placement nearest the transcript's 3' end. VCF-style (leftmost placement, unchanged base first): chr15-89320822-CTG-C. GRCh37 (hg19) VCF-style: chr15-89864053-CTG-C.
Other names: c.2923_2924del, p.Gln975fs (NM_001126131.2); c.2919_2920CA[2], p.Gln975Alafs (NM_002693.2); c.2923_2924delCA (NM_002693.2); short protein forms Q975fs.
Identifiers: ClinVar variation 4998889 (VCV004998889.2).
Genomic context (GRCh38, chr15:89,320,822, plus strand): 5'-TCACCAGCGGAGGCCCTTGGTGGCAGCGTACATCTGCTGGGCCTTCTCAGCTGCCTCCTG[CTG>C]TGTGAGCCGGTGGTTAAACTGCATTAGTAAGCGCTCAGCAAAGGGCTGCCCAGCACCATA-3'

ClinVar aggregate classification (germline): Pathogenic/Likely pathogenic. Review status: criteria provided, multiple submitters, no conflicts (2 of 4 stars). 2 submissions from 2 submitters: Pathogenic (1); Likely pathogenic (1). Last evaluated 2025-01-31.

Conditions:
POLG-related disorder. Also called: POLG-Related Spectrum Disorders; POLG-related condition; POLG-Related Disorders. Identifiers: MedGen C4763519.

Submissions (2):

PreventionGenetics, part of Exact Sciences
Classification: Likely pathogenic for POLG-related condition. Last evaluated: 2025-01-31. Review status: criteria provided, single submitter. Criteria: ACMG Guidelines, 2015. Collection method: clinical testing. Allele origin: germline.
Comment: The POLG c.2923_2924delCA variant is predicted to result in a frameshift and premature protein termination (p.Gln975Alafs*5). To our knowledge, this variant has not been reported in the literature or in a large population database (gnomAD), indicating this variant is rare. Frameshift variants in POLG are an established mechanism of autosomal recessive disease. This variant is interpreted as likely pathogenic.

Myriad Genetics, Inc.
Classification: Pathogenic for POLG-related disorder. Last evaluated: 2024-09-10. Review status: criteria provided, single submitter. Criteria: Myriad Autosomal Dominant, Autosomal Recessive and X-Linked Classification Criteria (2023). Collection method: clinical testing. Allele origin: unknown.
Comment: NM_002693.2(POLG):c.2923_2924delCA(Q975Afs*5) is expected to be pathogenic in the context of POLG-related disorders. This variant is predicted to lead to an abnormal or absent protein product due to the creation of a premature termination codon in POLG, a gene where loss-of-function variants are known to be pathogenic. Please note: this variant was assessed in the context of healthy population screening.